The following is an entry in ClinVar:

ClinVar aggregate classification (germline): Uncertain significance (1 of 4 stars; one submission).

Allele frequency attached by ClinVar (database versions not stated): TOPMed below 0.00001; gnomAD 0.00001; gnomAD exomes 0.00001 and 0.00004; ExAC 0.00003.
gnomAD v4.1: 24 of 1,614,000 alleles (0.0015%); highest among the groups gnomAD compares: East Asian, 0.031%; no homozygotes.

Submission:

Labcorp Genetics (formerly Invitae), Labcorp
Classification: Uncertain significance. Last evaluated: 2021-10-09. Review status: criteria provided, single submitter. Criteria: Invitae Variant Classification Sherloc (09022015). Collection method: clinical testing. Allele origin: germline.
Comment: In summary, the available evidence is currently insufficient to determine the role of this variant in disease. Therefore, it has been classified as a Variant of Uncertain Significance. Algorithms developed to predict the effect of missense changes on protein structure and function output the following: SIFT: "Tolerated"; PolyPhen-2: "Benign"; Align-GVGD: "Class C0". The isoleucine amino acid residue is found in multiple mammalian species, which suggests that this missense change does not adversely affect protein function. This variant has not been reported in the literature in individuals affected with SZT2-related conditions. This variant is present in population databases (rs757854993, ExAC 0.02%). This sequence change replaces valine with isoleucine at codon 1377 of the SZT2 protein (p.Val1377Ile). The valine residue is weakly conserved and there is a small physicochemical difference between valine and isoleucine.

NM_001365999.1(SZT2):c.4300G>A (p.Val1434Ile)

Gene: SZT2 (SZT2 subunit of KICSTOR complex; plus strand). Cytogenetic location: 1p34.2.
Variant type: single nucleotide variant.
Coding change: c.4300G>A on transcript NM_001365999.1 (MANE Select); coding-DNA position 4300, G replaced by A.
Protein change: p.Val1434Ile; replaces valine 1434 with isoleucine.
Molecular consequence: missense variant.
Genome position (GRCh38, 1-based): chr1:43,429,836, G>A. VCF-style: chr1-43429836-G-A. GRCh37 (hg19) VCF-style: chr1-43895507-G-A.
Other names: c.4129G>A, p.Val1377Ile (NM_015284.4); short protein forms V1377I, V1434I.
Identifiers: ClinVar variation 1051044 (VCV001051044.6), dbSNP rs757854993, ClinGen allele CA809231.